The following is an entry in ClinVar:

ClinVar aggregate classification (germline): Conflicting classifications of pathogenicity. Review status: criteria provided, conflicting classifications (1 of 4 stars). 8 submissions from 8 submitters: Uncertain significance (1); Benign (2); Likely benign (5). Last evaluated 2025-11-27.

Conditions:
Idiopathic basal ganglia calcification 1 (PFBC1A). Also called: Familial Idiopathic Basal Ganglia Calcification 2; Familial Idiopathic Basal Ganglia Calcification 3; Primary Familial Brain Calcification; PRIMARY FAMILIAL BRAIN CALCIFICATION 1A, AUTOSOMAL DOMINANT; Fahr's syndrome; Cerebral calcification nonarteriosclerotic idiopathic adult-onset. Identifiers: Orphanet 1980, MedGen C4551624, MONDO:0024538, OMIM 213600.
SLC20A2-related disorder. Also called: SLC20A2-related condition.

Allele frequency attached by ClinVar (database versions not stated): 1000 Genomes Project 30x 0.00016; gnomAD 0.00034 and 0.00032; gnomAD exomes 0.00044 and 0.00031; ESP Exome Variant Server 0.00069; 1000 Genomes Project 0.00020; ExAC 0.00034; TOPMed 0.00036.
gnomAD v4.1: 684 of 1,614,216 alleles (0.042%); highest among the groups gnomAD compares: Non-Finnish European, 0.056%; 1 homozygote.

Submissions (8):

Labcorp Genetics (formerly Invitae), Labcorp
Classification: Benign. Last evaluated: 2025-11-27. Review status: criteria provided, single submitter. Criteria: Invitae Variant Classification Sherloc (09022015). Collection method: clinical testing. Allele origin: germline.

Mayo Clinic Laboratories, Mayo Clinic
Classification: Likely benign. Last evaluated: 2025-07-08. Review status: criteria provided, single submitter. Criteria: ACMG Guidelines, 2015. Collection method: clinical testing. Allele origin: germline. Observed: 1 variant allele.
Comment: BS2, BP4, BP7

PreventionGenetics, part of Exact Sciences
Classification: Likely benign for SLC20A2-related condition. Last evaluated: 2024-12-23. Review status: criteria provided, single submitter. Criteria: ACMG Guidelines, 2015. Collection method: clinical testing. Allele origin: germline.
Comment: This variant is classified as likely benign based on ACMG/AMP sequence variant interpretation guidelines (Richards et al. 2015 PMID: 25741868, with internal and published modifications).

Blueprint Genetics
Classification: Likely benign. Last evaluated: 2024-08-27. Review status: criteria provided, single submitter. Criteria: ACMG Guidelines, 2015. Collection method: clinical testing. Allele origin: germline.

CeGaT Center for Human Genetics Tuebingen
Classification: Likely benign. Last evaluated: 2023-04-01. Review status: criteria provided, single submitter. Criteria: CeGaT Center For Human Genetics Tuebingen Variant Classification Criteria Version 2. Collection method: clinical testing. Allele origin: germline. Affected: yes. Observed: 2 variant alleles.
Comment: SLC20A2: BP4

GeneDx
Classification: Likely benign. Last evaluated: 2020-02-19. Review status: criteria provided, single submitter. Criteria: GeneDx Variant Classification Process June 2021. Collection method: clinical testing. Allele origin: germline. Affected: yes.

Illumina Laboratory Services, Illumina
Classification: Benign for Idiopathic basal ganglia calcification 1. Last evaluated: 2018-01-13. Review status: criteria provided, single submitter. Criteria: ICSL Variant Classification Criteria 13 December 2019. Collection method: clinical testing. Allele origin: germline.
Comment: This variant was observed in the ICSL laboratory as part of a predisposition screen in an ostensibly healthy population. It had not been previously curated by ICSL or reported in the Human Gene Mutation Database (HGMD: prior to June 1st, 2018), and was therefore a candidate for classification through an automated scoring system. Utilizing variant allele frequency, disease prevalence and penetrance estimates, and inheritance mode, an automated score was calculated to assess if this variant is too frequent to cause the disease. Based on the score and internal cut-off values, a variant classified as benign is not then subjected to further curation. The score for this variant resulted in a classification of benign for this disease.

Eurofins Ntd Llc (ga)
Classification: Uncertain significance. Last evaluated: 2017-04-18. Review status: criteria provided, single submitter. Criteria: EGL Classification Definitions 2015. Collection method: clinical testing. Allele origin: germline. Observed: 1 variant allele, 1 heterozygote.

NM_001257180.2(SLC20A2):c.846C>T (p.Asp282=)

Gene: SLC20A2 (solute carrier family 20 member 2; minus strand). Cytogenetic location: 8p11.21.
Variant type: single nucleotide variant.
Coding change: c.846C>T on transcript NM_001257180.2 (MANE Select); coding-DNA position 846, C replaced by T.
Protein change: p.Asp282=; no amino-acid change (aspartic acid 282 retained).
Molecular consequence: synonymous variant.
Genome position (GRCh38, 1-based): chr8:42,439,538, G>A on the plus strand (C>T on the coding strand, the complement: SLC20A2 is on the minus strand). VCF-style: chr8-42439538-G-A. GRCh37 (hg19) VCF-style: chr8-42297056-G-A.
Other names: p.Asp282=; c.846C>T, p.Asp282= (NM_001257181.2, NM_006749.5); c.846C>T (NM_001257180.1).
Identifiers: ClinVar variation 363084 (VCV000363084.47), dbSNP rs116122164, ClinGen allele CA4733453.